The following is an entry in ClinVar:

ClinVar aggregate classification (germline): Uncertain significance (1 of 4 stars; one submission).

Conditions:
Combined immunodeficiency due to DOCK8 deficiency (HIES2). Also called: DOCK8 Deficiency; HIES autosomal recessive; HYPER-IgE RECURRENT INFECTION SYNDROME 2, AUTOSOMAL RECESSIVE; HYPER-IgE SYNDROME 2, AUTOSOMAL RECESSIVE, WITH RECURRENT INFECTIONS; Hyper-IgE recurrent infection syndrome, autosomal recessive. Identifiers: Orphanet 217390, MedGen C4722305, MONDO:0009478, OMIM 243700.

Allele frequency attached by ClinVar (database versions not stated): gnomAD exomes 0.00001.

Submission:

Labcorp Genetics (formerly Invitae), Labcorp
Classification: Uncertain significance for Combined immunodeficiency due to DOCK8 deficiency. Last evaluated: 2023-07-10. Review status: criteria provided, single submitter. Criteria: Invitae Variant Classification Sherloc (09022015). Collection method: clinical testing. Allele origin: germline.
Comment: This variant is present in population databases (no rsID available, gnomAD 0.01%). This sequence change replaces cysteine, which is neutral and slightly polar, with glycine, which is neutral and non-polar, at codon 361 of the DOCK8 protein (p.Cys361Gly). This variant has not been reported in the literature in individuals affected with DOCK8-related conditions. ClinVar contains an entry for this variant (Variation ID: 948771). Advanced modeling of protein sequence and biophysical properties (such as structural, functional, and spatial information, amino acid conservation, physicochemical variation, residue mobility, and thermodynamic stability) performed at Invitae indicates that this missense variant is expected to disrupt DOCK8 protein function. In summary, the available evidence is currently insufficient to determine the role of this variant in disease. Therefore, it has been classified as a Variant of Uncertain Significance.

NM_203447.4(DOCK8):c.1081T>G (p.Cys361Gly)

Gene: DOCK8 (dedicator of cytokinesis 8; plus strand). Cytogenetic location: 9p24.3.
Variant type: single nucleotide variant.
Coding change: c.1081T>G on transcript NM_203447.4 (MANE Select); coding-DNA position 1081, T replaced by G.
Protein change: p.Cys361Gly; replaces cysteine 361 with glycine.
Molecular consequence: missense variant.
Genome position (GRCh38, 1-based): chr9:332,434, T>G. VCF-style: chr9-332434-T-G. GRCh37 (hg19) VCF-style: chr9-332434-T-G.
Other names: c.877T>G, p.Cys293Gly (NM_001190458.2, NM_001193536.2); short protein forms C293G, C361G.
Identifiers: ClinVar variation 948771 (VCV000948771.10), dbSNP rs1190628763, ClinGen allele CA372752136.